The following is an entry in ClinVar:

NM_001613.4(ACTA2):c.362T>C (p.Met121Thr)

Gene: ACTA2 (actin alpha 2, smooth muscle; minus strand). Cytogenetic location: 10q23.31.
Variant type: single nucleotide variant.
Coding change: c.362T>C on transcript NM_001613.4 (MANE Select); coding-DNA position 362, T replaced by C.
Protein change: p.Met121Thr; replaces methionine 121 with threonine.
Molecular consequence: missense variant. On other transcripts: intron variant (1).
Genome position (GRCh38, 1-based): chr10:88,943,804, A>G on the plus strand (T>C on the coding strand, the complement: ACTA2 is on the minus strand). VCF-style: chr10-88943804-A-G. GRCh37 (hg19) VCF-style: chr10-90703561-A-G.
Other names: c.362T>C, p.Met121Thr (NM_001141945.3, NM_001320855.2, NM_001406462.1 and 3 more transcripts); c.233T>C, p.Met78Thr (NM_001406467.1, NM_001406468.1, NM_001406469.1); c.259-1935T>C (NM_001406466.1); short protein forms M121T, M78T.
Identifiers: ClinVar variation 2500689 (VCV002500689.1), dbSNP rs2494554356, ClinGen allele CA377512795.

ClinVar aggregate classification (germline): Uncertain significance (1 of 4 stars; one submission).

Submission:

GeneDx
Classification: Uncertain significance. Last evaluated: 2022-10-31. Review status: criteria provided, single submitter. Criteria: GeneDx Variant Classification Process June 2021. Collection method: clinical testing. Allele origin: germline. Affected: yes.
Comment: Not observed at significant frequency in large population cohorts (gnomAD); In silico analysis supports that this missense variant has a deleterious effect on protein structure/function; Has not been previously published as pathogenic or benign to our knowledge